The following is an entry in ClinVar:

NM_173660.5(DOK7):c.1191G>C (p.Val397=)

Gene: DOK7 (docking protein 7; plus strand). Cytogenetic location: 4p16.3.
Variant type: single nucleotide variant.
Coding change: c.1191G>C on transcript NM_173660.5 (MANE Select); coding-DNA position 1191, G replaced by C.
Protein change: p.Val397=; no amino-acid change (valine 397 retained).
Molecular consequence: synonymous variant. On other transcripts: 3 prime UTR variant (1).
Genome position (GRCh38, 1-based): chr4:3,493,177, G>C. VCF-style: chr4-3493177-G-C. GRCh37 (hg19) VCF-style: chr4-3494904-G-C.
Other names: c.*412G>C (NM_001164673.2); c.261G>C, p.Val87= (NM_001256896.2); c.1191G>C, p.Val397= (NM_001301071.2); c.759G>C, p.Val253= (NM_001363811.2).
Identifiers: ClinVar variation 1545124 (VCV001545124.30), dbSNP rs781489489, ClinGen allele CA2829403.

ClinVar aggregate classification (germline): Likely benign. Review status: criteria provided, multiple submitters, no conflicts (2 of 4 stars). 2 submissions from 2 submitters: Likely benign (2). Last evaluated 2025-09-01.

Conditions:
Fetal akinesia deformation sequence 1 (FADS1). Also called: Pena-Shokeir syndrome type I; Fetal akinesia sequence. Identifiers: Orphanet 994, MedGen C1276035, MONDO:0100101, OMIM 208150, HP:0001989.
Congenital myasthenic syndrome 10. Also called: Myasthenia, limb-girdle, familial. Identifiers: Orphanet 590, MedGen C1850792, MONDO:0009690, OMIM 254300.

Allele frequency attached by ClinVar (database versions not stated): gnomAD 0.00001; gnomAD exomes 0.00002 and 0.00004; TOPMed 0.00002; ExAC 0.00007.
gnomAD v4.1: 23 of 1,609,092 alleles (0.0014%); highest among the groups gnomAD compares: Non-Finnish European, 0.0019%; no homozygotes.

Submissions (2):

Labcorp Genetics (formerly Invitae), Labcorp
Classification: Likely benign for Congenital myasthenic syndrome 10; Fetal akinesia deformation sequence 1. Last evaluated: 2025-09-01. Review status: criteria provided, single submitter. Criteria: Invitae Variant Classification Sherloc (09022015). Collection method: clinical testing. Allele origin: germline.

CeGaT Center for Human Genetics Tuebingen
Classification: Likely benign. Last evaluated: 2024-02-01. Review status: criteria provided, single submitter. Criteria: CeGaT Center For Human Genetics Tuebingen Variant Classification Criteria Version 2. Collection method: clinical testing. Allele origin: germline. Affected: yes. Observed: 1 variant allele.
Comment: DOK7: BP4, BP7